The following is an entry in ClinVar:

NM_000535.7(PMS2):c.2175A>G (p.Ala725=)

Gene: PMS2 (PMS1 homolog 2, mismatch repair system component; minus strand). Cytogenetic location: 7p22.1.
Variant type: single nucleotide variant.
Coding change: c.2175A>G on transcript NM_000535.7 (MANE Select); coding-DNA position 2175, A replaced by G.
Protein change: p.Ala725=; no amino-acid change (alanine 725 retained).
Molecular consequence: synonymous variant. On other transcripts: non-coding transcript variant (1).
Genome position (GRCh38, 1-based): chr7:5,978,696, T>C on the plus strand (A>G on the coding strand, the complement: PMS2 is on the minus strand). VCF-style: chr7-5978696-T-C. GRCh37 (hg19) VCF-style: chr7-6018327-T-C.
Other names: c.1770A>G, p.Ala590= (NM_001322003.2, NM_001322004.2, NM_001322005.2 and 1 more transcripts); c.2019A>G, p.Ala673= (NM_001322006.2); c.1857A>G, p.Ala619= (NM_001322007.2, NM_001322008.2); c.1614A>G, p.Ala538= (NM_001322010.2); c.1242A>G, p.Ala414= (NM_001322011.2, NM_001322012.2); c.1602A>G, p.Ala534= (NM_001322013.2); c.2175A>G, p.Ala725= (NM_001322014.2); c.1866A>G, p.Ala622= (NM_001322015.2); and 1 more.
Identifiers: ClinVar variation 496037 (VCV000496037.19), dbSNP rs769116749, ClinGen allele CA046990.

ClinVar aggregate classification (germline): Conflicting classifications of pathogenicity. Review status: criteria provided, conflicting classifications (1 of 4 stars). 6 submissions from 6 submitters: Uncertain significance (1); Benign (1); Likely benign (4). Last evaluated 2025-11-02.

Conditions:
Hereditary nonpolyposis colorectal neoplasms. Identifiers: MedGen C0009405, MeSH D003123.
Hereditary cancer-predisposing syndrome. Also called: Tumor predisposition; Neoplastic Syndromes, Hereditary; Hereditary neoplastic syndrome; Hereditary Cancer Syndrome. Identifiers: Orphanet 140162, MedGen C0027672, MeSH D009386, MONDO:0015356.
Lynch syndrome 4 (LYNCH4). Also called: Colorectal cancer, hereditary nonpolyposis, type 4; Hereditary non-polyposis colorectal cancer, type 4. Identifiers: Orphanet 144, MedGen C1838333, MONDO:0013699, OMIM 614337. Disease mechanism: loss of function.

Allele frequency attached by ClinVar (database versions not stated): ExAC 0.00001; gnomAD 0.00001.

Submissions (6):

Labcorp Genetics (formerly Invitae), Labcorp
Classification: Likely benign for Hereditary nonpolyposis colorectal neoplasms. Last evaluated: 2025-11-02. Review status: criteria provided, single submitter. Criteria: Invitae Variant Classification Sherloc (09022015). Collection method: clinical testing. Allele origin: germline.

Color Diagnostics, LLC DBA Color Health
Classification: Likely benign for Hereditary cancer-predisposing syndrome. Last evaluated: 2025-09-14. Review status: criteria provided, single submitter. Criteria: ACMG Guidelines, 2015. Collection method: clinical testing. Allele origin: germline.

Myriad Genetics, Inc.
Classification: Benign for Lynch syndrome 4. Last evaluated: 2025-02-03. Review status: criteria provided, single submitter. Criteria: Myriad Autosomal Dominant, Autosomal Recessive and X-Linked Classification Criteria (2023). Collection method: clinical testing. Allele origin: unknown.
Comment: This variant is considered benign. This variant is a silent/synonymous amino acid change and it is not expected to impact splicing.

Quest Diagnostics Nichols Institute San Juan Capistrano
Classification: Likely benign. Last evaluated: 2025-01-28. Review status: criteria provided, single submitter. Criteria: Quest Diagnostics criteria. Collection method: clinical testing. Allele origin: unknown.

Ambry Genetics
Classification: Likely benign for Hereditary cancer-predisposing syndrome. Last evaluated: 2019-08-26. Review status: criteria provided, single submitter. Criteria: Ambry Variant Classification Scheme 2023. Collection method: clinical testing. Allele origin: germline.

Women's Health and Genetics/Laboratory Corporation of America, LabCorp
Classification: Uncertain significance. Last evaluated: 2017-03-13. Review status: criteria provided, single submitter. Criteria: LabCorp Variant Classification Summary - May 2015. Collection method: clinical testing. Allele origin: germline.
Comment: Variant summary: The PMS2 c.2175A>G (p.Ala725Ala) variant involves the alteration of a non-conserved nucleotide, resulting in a synonymous change. One in silico tool predicts a damaging outcome for this variant. 3/5 splice prediction tools predict the strenghtening of a canonical 5' splice acceptor site. However, these predictions have yet to be confirmed by functional studies. This variant was found in 1/73670 control chromosomes at a frequency of 0.0000136, which does not exceed the estimated maximal expected allele frequency of a pathogenic PMS2 variant (0.0001136). The variant of interest has not, to our knowledge, been reported in affected individuals via publications and/or reputable databases/clinical diagnostic laboratories; nor evaluated for functional impact by in vivo/vitro studies. Because of the absence of clinical information and the lack of functional studies, the variant is classified as a variant of uncertain significance (VUS) until additional information becomes available.